The following is an entry in ClinVar:

NM_016180.5(SLC45A2):c.301C>G (p.Arg101Gly)

Gene: SLC45A2 (solute carrier family 45 member 2; minus strand). Cytogenetic location: 5p13.2.
Variant type: single nucleotide variant.
Coding change: c.301C>G on transcript NM_016180.5 (MANE Select); coding-DNA position 301, C replaced by G.
Protein change: p.Arg101Gly; replaces arginine 101 with glycine.
Molecular consequence: missense variant.
Genome position (GRCh38, 1-based): chr5:33,984,283, G>C on the plus strand (C>G on the coding strand, the complement: SLC45A2 is on the minus strand). VCF-style: chr5-33984283-G-C. GRCh37 (hg19) VCF-style: chr5-33984388-G-C.
Other names: c.301C>G, p.Arg101Gly (NM_001012509.4, NM_001297417.4); short protein forms R101G.
Identifiers: ClinVar variation 3062366 (VCV003062366.1), dbSNP rs779436059, ClinGen allele CA359397404.

ClinVar aggregate classification (germline): Uncertain significance (1 of 4 stars; one submission).

Conditions:
Oculocutaneous albinism type 4 (OCA4). Also called: Albinism, oculocutaneous, type IV. Identifiers: Orphanet 79435, MedGen C1847836, MONDO:0011683, OMIM 606574.

Submission:

SIB Swiss Institute of Bioinformatics
Classification: Uncertain significance for Oculocutaneous albinism type 4. Last evaluated: 2024-03-21. Review status: criteria provided, single submitter. Criteria: ACMG Guidelines, 2015. Collection method: curation. Allele origin: unknown. Affected: yes.
Comment: This variant is interpreted for oculocutaneous albinism 4, autosomal recessive. The following ACMG Tag(s) were applied: Absent from controls (or at extremely low frequency if recessive) in Exome Sequencing Project, 1000 Genomes Project, or Exome Aggregation Consortium (PM2); Multiple lines of computational evidence support a deleterious effect on the gene or gene product (PP3).

Literature cited by the submitters: PubMed 38337174.